The following is an entry in ClinVar:

NM_012268.4(PLD3):c.1288A>T (p.Thr430Ser)

Gene: PLD3 (phospholipase D family member 3; plus strand). Cytogenetic location: 19q13.2.
Variant type: single nucleotide variant.
Coding change: c.1288A>T on transcript NM_012268.4 (MANE Select); coding-DNA position 1288, A replaced by T.
Protein change: p.Thr430Ser; replaces threonine 430 with serine.
Molecular consequence: missense variant.
Genome position (GRCh38, 1-based): chr19:40,377,988, A>T. VCF-style: chr19-40377988-A-T. GRCh37 (hg19) VCF-style: chr19-40883895-A-T.
Other names: c.1288A>T, p.Thr430Ser (NM_001031696.4, NM_001291311.2); short protein forms T430S.
Identifiers: ClinVar variation 1976101 (VCV001976101.5), dbSNP rs1318548972, ClinGen allele CA405877136.

ClinVar aggregate classification (germline): Uncertain significance (1 of 4 stars; one submission).

Allele frequency attached by ClinVar (database versions not stated): gnomAD exomes below 0.00001.
gnomAD v4.1: 2 of 1,611,952 alleles (0.00012%); highest among the groups gnomAD compares: Non-Finnish European, 0.00017%; no homozygotes.

Submission:

Labcorp Genetics (formerly Invitae), Labcorp
Classification: Uncertain significance. Last evaluated: 2022-09-03. Review status: criteria provided, single submitter. Criteria: Invitae Variant Classification Sherloc (09022015). Collection method: clinical testing. Allele origin: germline.
Comment: This variant has not been reported in the literature in individuals affected with PLD3-related conditions. This variant is present in population databases (no rsID available, gnomAD 0.002%). This sequence change replaces threonine, which is neutral and polar, with serine, which is neutral and polar, at codon 430 of the PLD3 protein (p.Thr430Ser). In summary, the available evidence is currently insufficient to determine the role of this variant in disease. Therefore, it has been classified as a Variant of Uncertain Significance. Algorithms developed to predict the effect of missense changes on protein structure and function are either unavailable or do not agree on the potential impact of this missense change (SIFT: "Tolerated"; PolyPhen-2: "Possibly Damaging"; Align-GVGD: "Class C0").